The following is an entry in ClinVar:

NM_001048174.2(MUTYH):c.934C>A (p.His312Asn)

Gene: MUTYH (mutY DNA glycosylase; minus strand). Cytogenetic location: 1p34.1.
Variant type: single nucleotide variant.
Coding change: c.934C>A on transcript NM_001048174.2 (MANE Select); coding-DNA position 934, C replaced by A.
Protein change: p.His312Asn; replaces histidine 312 with asparagine.
Molecular consequence: missense variant. On other transcripts: non-coding transcript variant (7).
Genome position (GRCh38, 1-based): chr1:45,331,829, G>T on the plus strand (C>A on the coding strand, the complement: MUTYH is on the minus strand). VCF-style: chr1-45331829-G-T. GRCh37 (hg19) VCF-style: chr1-45797501-G-T.
Other names: c.976C>A, p.His326Asn (NM_001407083.1, NM_001407085.1); c.937C>A, p.His313Asn (NM_001407086.1, NM_001407078.1, NM_001407071.1 and 1 more transcripts); c.955C>A, p.His319Asn (NM_001407087.1); c.934C>A, p.His312Asn (NM_001407088.1, NM_001407089.1, NM_001407081.1 and 6 more transcripts); c.658C>A, p.His220Asn (NM_001407091.1, NM_001293192.2, NM_001293196.2); c.1009C>A, p.His337Asn (NM_012222.3); c.895C>A, p.His299Asn (NM_001407079.1); c.892C>A, p.His298Asn (NM_001407080.1); and 5 more; short protein forms H197N, H299N, H312N, H319N, H220N, H298N, H326N, H327N.
Identifiers: ClinVar variation 4112924 (VCV004112924.1).

ClinVar aggregate classification (germline): Uncertain significance (1 of 4 stars; one submission).

Conditions:
Hereditary cancer-predisposing syndrome. Also called: Tumor predisposition; Neoplastic Syndromes, Hereditary; Hereditary neoplastic syndrome; Hereditary Cancer Syndrome. Identifiers: Orphanet 140162, MedGen C0027672, MeSH D009386, MONDO:0015356.

Submission:

Ambry Genetics
Classification: Uncertain significance for Hereditary cancer-predisposing syndrome. Last evaluated: 2025-08-27. Review status: criteria provided, single submitter. Criteria: Ambry Variant Classification Scheme 2023. Collection method: clinical testing. Allele origin: germline.
Comment: The p.H340N variant (also known as c.1018C>A), located in coding exon 12 of the MUTYH gene, results from a C to A substitution at nucleotide position 1018. The histidine at codon 340 is replaced by asparagine, an amino acid with similar properties. This amino acid position is conserved. In addition, this alteration is predicted to be tolerated by in silico analysis. Based on the available evidence, the clinical significance of this variant remains unclear.